The following is an entry in ClinVar:

ClinVar aggregate classification (germline): Uncertain significance (1 of 4 stars; one submission).

Submission:

Ambry Genetics
Classification: Uncertain significance. Last evaluated: 2022-08-07. Review status: criteria provided, single submitter. Criteria: Ambry Variant Classification Scheme 2023. Collection method: clinical testing. Allele origin: germline.
Comment: The p.I580L variant (also known as c.1738A>T), located in coding exon 13 of the NPAT gene, results from an A to T substitution at nucleotide position 1738. The isoleucine at codon 580 is replaced by leucine, an amino acid with highly similar properties. This amino acid position is conserved. In addition, this alteration is predicted to be tolerated by in silico analysis. Since supporting evidence is limited at this time, the clinical significance of this alteration remains unclear.

NM_002519.3(NPAT):c.1738A>T (p.Ile580Leu)

Gene: NPAT (nuclear protein, coactivator of histone transcription; minus strand). Cytogenetic location: 11q22.3.
Variant type: single nucleotide variant.
Coding change: c.1738A>T on transcript NM_002519.3 (MANE Select); coding-DNA position 1738, A replaced by T.
Protein change: p.Ile580Leu; replaces isoleucine 580 with leucine.
Molecular consequence: missense variant.
Genome position (GRCh38, 1-based): chr11:108,173,246, T>A on the plus strand (A>T on the coding strand, the complement: NPAT is on the minus strand). VCF-style: chr11-108173246-T-A. GRCh37 (hg19) VCF-style: chr11-108043973-T-A.
Other names: c.1738A>T, p.Ile580Leu (NM_001321307.1); short protein forms I580L.
Identifiers: ClinVar variation 1779122 (VCV001779122.2), dbSNP rs2077971980, ClinGen allele CA382514466.